The following is an entry in ClinVar:

NM_002907.4(RECQL):c.1037C>A (p.Ala346Asp)

Gene: RECQL (RecQ like helicase; minus strand). Cytogenetic location: 12p12.1.
Variant type: single nucleotide variant.
Coding change: c.1037C>A on transcript NM_002907.4 (MANE Select); coding-DNA position 1037, C replaced by A.
Protein change: p.Ala346Asp; replaces alanine 346 with aspartic acid.
Molecular consequence: missense variant.
Genome position (GRCh38, 1-based): chr12:21,475,737, G>T on the plus strand (C>A on the coding strand, the complement: RECQL is on the minus strand). VCF-style: chr12-21475737-G-T. GRCh37 (hg19) VCF-style: chr12-21628671-G-T.
Other names: c.1037C>A, p.Ala346Asp (NM_032941.3); short protein forms A346D.
Identifiers: ClinVar variation 3222920 (VCV003222920.2), dbSNP rs1943073811, ClinGen allele CA384121435.
Genomic context (GRCh38, chr12:21,475,737, plus strand): 5'-TGAATTTCATTGGCTGACCATTTTCTATGAACTGTGGTCTTATCTTCTGGCTCCAAATTG[G>T]CATGGTAAGCACCTGCATGAATTCCCAGATTCTGCAAACTAACCGTAACTTGTTCAGAGT-3'
Protein context (NP_002898.2, residues 336-356): NLGIHAGAYH[Ala346Asp]NLEPEDKTTV

ClinVar aggregate classification (germline): Uncertain significance (1 of 4 stars; one submission).

Allele frequency attached by ClinVar (database versions not stated): gnomAD exomes below 0.00001.
gnomAD v4.1: 1 of 1,613,398 alleles (0.000062%); highest among the groups gnomAD compares: Non-Finnish European, 0.000085%; no homozygotes.

Submission:

Ambry Genetics
Classification: Uncertain significance. Last evaluated: 2025-02-28. Review status: criteria provided, single submitter. Criteria: Ambry Variant Classification Scheme 2023. Collection method: clinical testing. Allele origin: germline.
Comment: The p.A346D variant (also known as c.1037C>A), located in coding exon 8 of the RECQL gene, results from a C to A substitution at nucleotide position 1037. The alanine at codon 346 is replaced by aspartic acid, an amino acid with dissimilar properties. This amino acid position is conserved. In addition, this alteration is predicted to be deleterious by in silico analysis. Since supporting evidence is limited at this time, the clinical significance of this alteration remains unclear.